The following is an entry in ClinVar:

NM_152617.4(RNF168):c.341G>C (p.Gly114Ala)

Gene: RNF168 (ring finger protein 168; minus strand). Cytogenetic location: 3q29.
Variant type: single nucleotide variant.
Coding change: c.341G>C on transcript NM_152617.4 (MANE Select); coding-DNA position 341, G replaced by C.
Protein change: p.Gly114Ala; replaces glycine 114 with alanine.
Molecular consequence: missense variant.
Genome position (GRCh38, 1-based): chr3:196,488,644, C>G on the plus strand (G>C on the coding strand, the complement: RNF168 is on the minus strand). VCF-style: chr3-196488644-C-G. GRCh37 (hg19) VCF-style: chr3-196215515-C-G.
Other names: short protein forms G114A.
Identifiers: ClinVar variation 2108724 (VCV002108724.4), dbSNP rs2473962743, ClinGen allele CA355626317.

ClinVar aggregate classification (germline): Uncertain significance (1 of 4 stars; one submission).

Allele frequency attached by ClinVar (database versions not stated): gnomAD exomes below 0.00001.
gnomAD v4.1: 2 of 1,609,994 alleles (0.00012%); highest among the groups gnomAD compares: South Asian, 0.0011%; no homozygotes.

Submission:

Labcorp Genetics (formerly Invitae), Labcorp
Classification: Uncertain significance. Last evaluated: 2022-03-11. Review status: criteria provided, single submitter. Criteria: Invitae Variant Classification Sherloc (09022015). Collection method: clinical testing. Allele origin: germline.
Comment: This variant is not present in population databases (gnomAD no frequency). In summary, the available evidence is currently insufficient to determine the role of this variant in disease. Therefore, it has been classified as a Variant of Uncertain Significance. Algorithms developed to predict the effect of missense changes on protein structure and function (SIFT, PolyPhen-2, Align-GVGD) all suggest that this variant is likely to be disruptive. This variant has not been reported in the literature in individuals affected with RNF168-related conditions. This sequence change replaces glycine, which is neutral and non-polar, with alanine, which is neutral and non-polar, at codon 114 of the RNF168 protein (p.Gly114Ala).